The following is an entry in ClinVar:

NM_000077.5(CDKN2A):c.159G>C (p.Met53Ile)

Gene: CDKN2A (cyclin dependent kinase inhibitor 2A; minus strand). Cytogenetic location: 9p21.3.
Variant type: single nucleotide variant.
Coding change: c.159G>C on transcript NM_000077.5; coding-DNA position 159, G replaced by C.
Protein change: p.Met53Ile; replaces methionine 53 with isoleucine.
Molecular consequence: missense variant (on NM_000077.6). On other transcripts: 3 prime UTR variant (1).
Genome position (GRCh38, 1-based): chr9:21,971,200, C>G on the plus strand (G>C on the coding strand, the complement: CDKN2A is on the minus strand). VCF-style: chr9-21971200-C-G. GRCh37 (hg19) VCF-style: chr9-21971199-C-G.
Other names: p.M53I:ATG>ATC; c.159G>C, p.Met53Ile (NM_000077.6, NM_001195132.2); c.6G>C, p.Met2Ile (NM_001363763.2); c.202G>C, p.Asp68His (NM_058195.4); c.*82G>C (NM_058197.5); short protein forms M53I, D68H, M2I.
Identifiers: ClinVar variation 9414 (VCV000009414.27), dbSNP rs104894095, ClinGen allele CA120391.

ClinVar aggregate classification (germline): Pathogenic. Review status: criteria provided, multiple submitters, no conflicts (2 of 4 stars). 10 submissions from 10 submitters: Pathogenic (8). 2 of the submissions do not count toward it. Last evaluated 2026-01-17.

Conditions:
Familial melanoma. Also called: Hereditary melanoma; Hereditary cutaneous melanoma. Identifiers: Orphanet 618, MedGen C1512419, MONDO:0018961.
Melanoma-pancreatic cancer syndrome. Identifiers: Orphanet 404560, MedGen C1838547, MONDO:0011713, OMIM 606719. Disease mechanism: loss of function.
Melanoma, cutaneous malignant, susceptibility to, 2 (CMM2). Also called: CDKN2A-Related Cutaneous Malignant Melanoma; Cutaneous malignant melanoma 2. Identifiers: Orphanet 618, MedGen C1835044, MONDO:0007964, OMIM 155601.
CDKN2A-related disorder. Also called: CDKN2A-related condition.
Hereditary cancer-predisposing syndrome. Also called: Hereditary neoplastic syndrome; Tumor predisposition; Neoplastic Syndromes, Hereditary; Hereditary Cancer Syndrome. Identifiers: Orphanet 140162, MedGen C0027672, MeSH D009386, MONDO:0015356.
Melanoma and neural system tumor syndrome. Also called: MELANOMA-ASTROCYTOMA SYNDROME. Identifiers: Orphanet 252206, MedGen C1835042, MONDO:0007967, OMIM 155755.

Allele frequency attached by ClinVar (database versions not stated): gnomAD 0.00001; gnomAD exomes 0.00001 and 0.00002; TOPMed 0.00001; ExAC 0.00002.
gnomAD v4.1: 29 of 1,597,670 alleles (0.0018%); highest among the groups gnomAD compares: Non-Finnish European, 0.0023%; no homozygotes.

Submissions (10):

Labcorp Genetics (formerly Invitae), Labcorp
Classification: Pathogenic for Familial melanoma. Last evaluated: 2026-01-17. Review status: criteria provided, single submitter. Criteria: Invitae Variant Classification Sherloc (09022015). Collection method: clinical testing. Allele origin: germline.
Comment: The CDKN2A gene encodes two different proteins, p16INK4a and p14ARF, which are translated from alternative transcripts with different open reading frames. Both transcripts have been analyzed. We report either the variant with the higher classification or default to the CDKN2A (p16INK4a) variant. This report therefore includes the details for the CDKN2A (p16INK4a) variant. This sequence change replaces methionine, which is neutral and non-polar, with isoleucine, which is neutral and non-polar, at codon 53 of the CDKN2A (p16INK4a) protein (p.Met53Ile). This variant is present in population databases (rs104894095, gnomAD 0.008%). This missense change has been observed in individual(s) with melanoma (PMID: 8595405, 9328469, 9699728, 16307646, 16905682, 17171691). It is commonly reported in individuals of Scottish ancestry (PMID: 8595405, 9328469, 9699728, 16307646, 16905682, 17171691). This variant is also known as c.202G>C (p.Asp68His) in the CDKN2A (p14ARF) transcript. ClinVar contains an entry for this variant (Variation ID: 9414). An algorithm developed to predict the effect of missense changes on protein structure and function (PolyPhen-2) suggests that this variant is likely to be disruptive. Experimental studies have shown that this missense change affects CDKN2A (p16INK4a) function (PMID: 9328469, 9389568, 11595726). For these reasons, this variant has been classified as Pathogenic. While the evidence indicates that this variant confers risk of developing CDKN2A (p16INK4a)-associated conditions, its association with risk for developing CDKN2A (p14ARF)-associated conditions is still unclear.

Ambry Genetics
Classification: Pathogenic for Hereditary cancer-predisposing syndrome. Last evaluated: 2025-01-15. Review status: criteria provided, single submitter. Criteria: Ambry Variant Classification Scheme 2023. Collection method: clinical testing. Allele origin: germline.
Comment: The p.M53I pathogenic mutation (also known as c.159G>C), located in coding exon 2 of the CDKN2A gene, results from a G to C substitution at nucleotide position 159. The methionine at codon 53 is replaced by isoleucine, an amino acid with highly similar properties. Of note, this alteration is also known as c.202G>C (p.D68H) in the p14(ARF) isoform. This mutation has been identified in many familial melanoma kindreds and has also been shown to segregate with disease in multiple large families (Walker GJ Hum. Mol. Genet. 1995 Oct; 4(10):1845-52; FitzGerald MG et al. Proc. Natl. Acad. Sci. U.S.A., 1996 Aug;93:8541-5; Flores JF et al. Oncogene 1997 Dec;15(24):2999-3005; Soufir N et al. Hum. Mol. Genet. 1998 Feb;7(2):209-16; MacKie RM et al. J. Invest. Dermatol., 1998 Aug;111:269-72; Monzon et al. N Eng J Med 1998; 338(13): 879-87; Goldstein AM et al. J. Med. Genet., 2007 Feb;44:99-106). In a Norwegian study, it was identified in multiple probands with melanoma and pancreatic cancer (Levin T and Maehle L Fam. Cancer. 2017 04;16(2):257-265). Functional analyses of proteins harboring the p.M53I substitution have consistently demonstrated impaired binding to CDK4. In some cases, the variant protein was also shown to have reduced association with CDK6 and/or impaired growth and colony formation (Harland M et al. Hum. Mol. Genet., 1997 Nov;6:2061-7; Sun et al. Int J Cancer 1997; 73(4): 531-6; Walker et al. Int J Cancer 1999; 82(2): 305-12; Becker TM et al. Clin. Cancer Res. 2001 Oct;7(10):3282-8; McKenzie et al. Hum Mutat 2010; 31(6): 692-701). Of note, this alteration is also designated as p.M45I in published literature. Haplotype analysis strongly suggests that the p.M53I mutation is likely a founder mutation, originating in Scotland (Lang J et al. Br. J. Dermatol., 2005 Dec;153:1121-5; Lang J et al. Genes Chromosomes Cancer, 2007 Mar;46:277-87). This amino acid position is well conserved in available vertebrate species. In addition, the in silico prediction for this alteration is inconclusive. Based on the supporting evidence, this variant is interpreted as a disease-causing mutation.

Quest Diagnostics Nichols Institute San Juan Capistrano
Classification: Pathogenic. Last evaluated: 2024-05-06. Review status: criteria provided, single submitter. Criteria: Quest Diagnostics criteria. Collection method: clinical testing. Allele origin: unknown.
Comment: The CDKN2A c.159G>C (p.Met53Ile) variant (also known as NM_058195.4: c.202G>C on the p14 transcript) has been reported in the published literature in as a founder mutation in Scottish families affected by familial melanoma (PMID: 16307646 (2005)). In other studies, individuals have been affected by melanoma along with other cancers including bladder and oral cancers (PMID: 9389568 (1997)), pancreatic cancer (PMID: 32482799 (2021)), and renal cell cancer (PMID: 34067022 (2021)). This variant has also been seen in individuals with primary melanoma (PMID: 31567591 (2020)), as well as in individuals with pancreatic cancer (PMID: 25356972 (2015)). Functional studies have shown that this variant is disrupts CDKN2A's ability to effectively bind CDK4 (PMIDs: 20340136 (2010, 11595726 (2001), 9328469 (1997), and 9389568 (1997)). The frequency of this variant in the general population, 0.000009 (2/221078 chromosomes (Genome Aggregation Database)), is uninformative in the assessment of its pathogenicity. Analysis of this variant using bioinformatics tools for the prediction of the effect of amino acid changes on protein structure and function yielded conflicting predictions that this variant is deleterious or benign. Based on the available information, this variant is classified as pathogenic.

Baylor Genetics
Classification: Pathogenic for Melanoma and neural system tumor syndrome. Last evaluated: 2023-09-05. Review status: criteria provided, single submitter. Criteria: ACMG Guidelines, 2015. Collection method: clinical testing. Allele origin: unknown.

Color Diagnostics, LLC DBA Color Health
Classification: Pathogenic for Hereditary cancer-predisposing syndrome. Last evaluated: 2022-11-21. Review status: criteria provided, single submitter. Criteria: ACMG Guidelines, 2015. Collection method: clinical testing. Allele origin: germline.
Comment: The CDKN2A locus encodes two different gene products, p16INK4a and p14ARF. This missense variant replaces methionine with isoleucine at codon 53 of the CDKN2A (p16INK4A) protein. Computational prediction tool is inconclusive regarding the impact of this variant on protein structure and function (internally defined REVEL score threshold 0.5 < inconclusive < 0.7, PMID: 27666373). Functional studies reported defects in CDK binding, loss of cell cycle control and inhibition of cellular growth (PMID: 9328469, 9389568, 11595726, 20340136). This variant has been reported as a Scottish melanoma founder mutation (PMID 17171691) and observed in melanoma affected families in Europe, North America, and Australia (PMID 8595405, 9328469, 9389568, 9699728, 16234564, 16307646, 16896043, 16905682) and in individual(s) with pancreatic cancer with positive family history (PMID 25356972, 32482799). This variant has been identified in 2/221078 chromosomes in the general population by the Genome Aggregation Database (gnomAD). Loss of CDKN2A (p16INK4A) function is a known mechanism of disease. Based on the available evidence, this variant is classified as Pathogenic.

GeneDx
Classification: Pathogenic. Last evaluated: 2022-04-20. Review status: criteria provided, single submitter. Criteria: GeneDx Variant Classification Process June 2021. Collection method: clinical testing. Allele origin: germline. Affected: yes.
Comment: Observed in numerous individuals of various ethnicities with a personal and/or family history of melanoma and identified as a founder variant in the Scottish population (Walker 1995, MacKie 1998, Tsao 2000, Box 2001, Goldstein 2004, Lang 2005, Kannengiesser 2007, Lang 2007, Helsing 2008, Harland 2014, Sinnya 2015); Published functional studies demonstrate a damaging effect: significantly reduced binding to CDK4 compared to wild-type (Sun 1997, Monzon 1998, Becker 2001, McKenzie 2010); In silico analysis supports that this missense variant has a deleterious effect on protein structure/function; This variant is associated with the following publications: (PMID: 17171691, 10987867, 10861313, 16905682, 27804060, 27568332, 31653154, 17713569, 29922827, 20340136, 17492760, 11595726, 9516223, 15146471, 21507037, 18023021, 25780468, 9603434, 9416844, 15173226, 22841127, 12459645, 9389568, 8710906, 1531137, 7083179, 8595405, 26681309, 9699728, 11500805, 16307646, 26103950, 25370744, 16354195, 31567591, 32427313)

Department of Pathology and Laboratory Medicine, Sinai Health System
Classification: Pathogenic for Melanoma-pancreatic cancer syndrome. Last evaluated: 2021-10-22. Review status: criteria provided, single submitter. Criteria: ACMG Guidelines, 2015. Collection method: clinical testing. Allele origin: germline. Affected: yes.

Blueprint Genetics
Classification: Pathogenic for CDKN2A-related disorders. Last evaluated: 2021-01-18. Review status: criteria provided, single submitter. Criteria: ACMG Guidelines, 2015. Collection method: clinical testing. Allele origin: germline. Affected: yes. Observed: 5 variant alleles.

PreventionGenetics, part of Exact Sciences
Classification: Pathogenic for CDKN2A-related condition. Last evaluated: 2024-08-14. Review status: no assertion criteria provided. Collection method: clinical testing. Allele origin: germline. Not counted in ClinVar's aggregate classification.
Comment: The CDKN2A c.159G>C variant is predicted to result in the amino acid substitution p.Met53Ile. This variant was reported in several individuals with melanoma and in one individual with pancreatic cancer (Table 2. Li et al. 2020. PubMed ID: 31567591; Table 2. Hubert et al. 2021. PubMed ID: 34067022; Table 1, Figure 1b. Flores et al. 1997. PubMed ID: 9416844; Lang et al. 2005. PubMed ID: 16307646; Table 2. FitzGerald et al. 1996. PubMed ID: 8710906; Figure 1. Begg et al. 2005. PubMed ID: 16234564; Table 2. Zhen et al. 2014. PubMed ID: 25356972). In vitro experimental studies show this amino acid change impacts protein function (McKenzie et al. 2010. PubMed ID: 20340136; Figure 3. Monzon et al. 1998. PubMed ID: 9516223). This variant is reported in 0.0075% of alleles in individuals of African descent in gnomAD and is classified as pathogenic in ClinVar. This variant is interpreted as pathogenic.

OMIM
Classification: risk factor for MELANOMA, CUTANEOUS MALIGNANT, SUSCEPTIBILITY TO, 2. Last evaluated: 1998-08-01. Review status: no assertion criteria provided. Collection method: literature only. Allele origin: germline. Not counted in ClinVar's aggregate classification.

Literature cited by the submitters: PubMed 8595405 (cited by 4 submitters); PubMed 9328469 (cited by 6 submitters); PubMed 9699728 (cited by 6 submitters); PubMed 16307646 (cited by 5 submitters); PubMed 16905682 (cited by 5 submitters); PubMed 17171691 (cited by 4 submitters); PubMed 9389568 (cited by 5 submitters); PubMed 11595726 (cited by 5 submitters); PubMed 20340136 (cited by 3 submitters); PubMed 8710906 (cited by Ambry Genetics); PubMed 9416844 (cited by Ambry Genetics); PubMed 9425228 (cited by Ambry Genetics); PubMed 9516223 (cited by 3 submitters); PubMed 32482799 (cited by Quest Diagnostics Nichols Institute San Juan Capistrano and Color Diagnostics, LLC DBA Color Health); PubMed 25356972 (cited by Quest Diagnostics Nichols Institute San Juan Capistrano and Color Diagnostics, LLC DBA Color Health); PubMed 34067022 (cited by Quest Diagnostics Nichols Institute San Juan Capistrano); PubMed 34308104 (cited by Quest Diagnostics Nichols Institute San Juan Capistrano); PubMed 31567591 (cited by Quest Diagnostics Nichols Institute San Juan Capistrano); PubMed 16234564 (cited by Color Diagnostics, LLC DBA Color Health); PubMed 16896043 (cited by Color Diagnostics, LLC DBA Color Health); PubMed 9603434 (cited by OMIM).